The following is an entry in ClinVar:

NM_170606.3(KMT2C):c.1470-1G>A

Gene: KMT2C (lysine methyltransferase 2C; minus strand). Cytogenetic location: 7q36.1.
Variant type: single nucleotide variant.
Coding change: c.1470-1G>A on transcript NM_170606.3 (MANE Select); the canonical splice acceptor site of the intron before coding-DNA position 1470, G replaced by A.
Molecular consequence: splice acceptor variant.
Genome position (GRCh38, 1-based): chr7:152,252,091, C>T on the plus strand (G>A on the coding strand, the complement: KMT2C is on the minus strand). VCF-style: chr7-152252091-C-T. GRCh37 (hg19) VCF-style: chr7-151949176-C-T.
Identifiers: ClinVar variation 3900701 (VCV003900701.1).

ClinVar aggregate classification (germline): Uncertain significance (1 of 4 stars; one submission).

Conditions:
Kleefstra syndrome 2 (KLEFS2). Identifiers: MedGen C4540395, MONDO:0054701, OMIM 617768.

Submission:

MVZ Medizinische Genetik Mainz
Classification: Uncertain significance for Kleefstra syndrome 2. Last evaluated: 2025-05-12. Review status: criteria provided, single submitter. Criteria: UK Practice Guidelines For Variant Classification V4 01 2020. Collection method: clinical testing. Allele origin: germline. Inheritance: Autosomal dominant inheritance. Affected: yes. Observed: 1 variant allele.
Comment: ACMG Criteria: PVS1_STR,PM2_SUP